The following is an entry in ClinVar:

ClinVar aggregate classification (germline): Uncertain significance. Review status: criteria provided, multiple submitters, no conflicts (2 of 4 stars). 8 submissions from 8 submitters: Uncertain significance (7). 1 of the submissions does not count toward it. Last evaluated 2025-11-04.

Conditions:
BARD1-related disorder. Also called: BARD1-related condition.
Hereditary cancer-predisposing syndrome. Also called: Hereditary Cancer Syndrome; Hereditary neoplastic syndrome; Neoplastic Syndromes, Hereditary; Tumor predisposition. Identifiers: Orphanet 140162, MedGen C0027672, MeSH D009386, MONDO:0015356.
Hereditary breast ovarian cancer syndrome. Also called: BRCA1- and BRCA2-Associated Hereditary Breast and Ovarian Cancer; Hereditary breast and ovarian cancer syndrome (HBOC); Hereditary breast and ovarian cancer; Hereditary breast and ovarian cancer syndrome; Breast and ovarian cancer; Hereditary breast and/or ovarian cancer syndrome. Identifiers: Orphanet 145, MedGen C0677776, MeSH D061325, MONDO:0003582. Disease mechanism: loss of function.
Familial cancer of breast. Also called: BREAST CANCER, FAMILIAL; Hereditary breast cancer; hereditary breast carcinoma. Identifiers: Orphanet 227535, MedGen C0346153, MONDO:0016419, OMIM 114480. Disease mechanism: loss of function.

Allele frequency attached by ClinVar (database versions not stated): gnomAD exomes below 0.00001 and 0.00001; TOPMed below 0.00001; gnomAD 0.00001.
gnomAD v4.1: 12 of 1,613,314 alleles (0.00074%); highest among the groups gnomAD compares: African/African-American, 0.0013%; no homozygotes.

Submissions (8):

Ambry Genetics
Classification: Uncertain significance for Hereditary cancer-predisposing syndrome. Last evaluated: 2025-11-04. Review status: criteria provided, single submitter. Criteria: Ambry Variant Classification Scheme 2023. Collection method: clinical testing. Allele origin: germline.
Comment: The p.I143V variant (also known as c.427A>G), located in coding exon 4 of the BARD1 gene, results from an A to G substitution at nucleotide position 427. The isoleucine at codon 143 is replaced by valine, an amino acid with highly similar properties. This amino acid position is highly conserved in available vertebrate species. In addition, this alteration is predicted to be tolerated by in silico analysis. Based on the available evidence, the clinical significance of this variant remains unclear.

Labcorp Genetics (formerly Invitae), Labcorp
Classification: Uncertain significance for Familial cancer of breast. Last evaluated: 2025-09-02. Review status: criteria provided, single submitter. Criteria: Invitae Variant Classification Sherloc (09022015). Collection method: clinical testing. Allele origin: germline.
Comment: This sequence change replaces isoleucine, which is neutral and non-polar, with valine, which is neutral and non-polar, at codon 143 of the BARD1 protein (p.Ile143Val). This variant is present in population databases (no rsID available, gnomAD 0.0009%). This variant has not been reported in the literature in individuals affected with BARD1-related conditions. ClinVar contains an entry for this variant (Variation ID: 406750). An algorithm developed to predict the effect of missense changes on protein structure and function outputs the following: PolyPhen-2: "Benign". The valine amino acid residue is found in multiple mammalian species, which suggests that this missense change does not adversely affect protein function. In summary, the available evidence is currently insufficient to determine the role of this variant in disease. Therefore, it has been classified as a Variant of Uncertain Significance.

Department of Pathology and Laboratory Medicine, Sinai Health System
Classification: Uncertain significance for Hereditary breast ovarian cancer syndrome. Last evaluated: 2024-07-05. Review status: criteria provided, single submitter. Criteria: ACMG Guidelines, 2015. Collection method: clinical testing. Allele origin: germline. Affected: yes.

GeneDx
Classification: Uncertain significance. Last evaluated: 2024-06-30. Review status: criteria provided, single submitter. Criteria: GeneDx Variant Classification Process June 2021. Collection method: clinical testing. Allele origin: germline. Affected: yes.
Comment: Not observed at significant frequency in large population cohorts (gnomAD); In silico analysis indicates that this missense variant does not alter protein structure/function; Has not been previously published as pathogenic or benign to our knowledge; This variant is associated with the following publications: (PMID: 31371347)

Baylor Genetics
Classification: Uncertain significance for Familial cancer of breast. Last evaluated: 2023-07-28. Review status: criteria provided, single submitter. Criteria: ACMG Guidelines, 2015. Collection method: clinical testing. Allele origin: unknown.

Color Diagnostics, LLC DBA Color Health
Classification: Uncertain significance for Hereditary cancer-predisposing syndrome. Last evaluated: 2023-03-20. Review status: criteria provided, single submitter. Criteria: ACMG Guidelines, 2015. Collection method: clinical testing. Allele origin: germline.
Comment: This missense variant replaces isoleucine with valine at codon 143 of the BARD1 protein. Computational prediction suggests that this variant may not impact protein structure and function (internally defined REVEL score threshold <= 0.5, PMID: 27666373). To our knowledge, functional studies have not been reported for this variant. This variant has not been reported in individuals affected with hereditary cancer in the literature. This variant has been identified in 1/250406 chromosomes in the general population by the Genome Aggregation Database (gnomAD). The available evidence is insufficient to determine the role of this variant in disease conclusively. Therefore, this variant is classified as a Variant of Uncertain Significance.

Women's Health and Genetics/Laboratory Corporation of America, LabCorp
Classification: Uncertain significance. Last evaluated: 2020-05-26. Review status: criteria provided, single submitter. Criteria: LabCorp Variant Classification Summary - May 2015. Collection method: clinical testing. Allele origin: germline.
Comment: Variant summary: BARD1 c.427A>G (p.Ile143Val) results in a conservative amino acid change in the encoded protein sequence. Four of five in-silico tools predict a benign effect of the variant on protein function. The variant allele was found at a frequency of 4e-06 in 250406 control chromosomes (gnomAD). The available data on variant occurrences in the general population are insufficient to allow any conclusion about variant significance. c.427A>G has been reported in the literature (Toh_2019). This report however, does not provide unequivocal conclusions about association of the variant with Breast Cancer. To our knowledge, no experimental evidence demonstrating an impact on protein function has been reported. Three ClinVar submitters (evaluation after 2014) cite the variant as uncertain significance. Based on the evidence outlined above, the variant was classified as uncertain significance.

PreventionGenetics, part of Exact Sciences
Classification: Uncertain significance for BARD1-related condition. Last evaluated: 2023-11-10. Review status: no assertion criteria provided. Collection method: clinical testing. Allele origin: germline. Not counted in ClinVar's aggregate classification.
Comment: The BARD1 c.427A>G variant is predicted to result in the amino acid substitution p.Ile143Val. To our knowledge, this variant has not been reported in the literature. This variant is reported in 1 of ~250,000 alleles in gnomAD. It is interpreted as uncertain significance in ClinVar. At this time, the clinical significance of this variant is uncertain due to the absence of conclusive functional and genetic evidence.

Literature cited by the submitters: PubMed 31371347 (cited by Women's Health and Genetics/Laboratory Corporation of America, LabCorp).

NM_000465.4(BARD1):c.427A>G (p.Ile143Val)

Gene: BARD1 (BRCA1 associated RING domain 1; minus strand). Cytogenetic location: 2q35.
Variant type: single nucleotide variant.
Coding change: c.427A>G on transcript NM_000465.4 (MANE Select); coding-DNA position 427, A replaced by G.
Protein change: p.Ile143Val; replaces isoleucine 143 with valine.
Molecular consequence: missense variant. On other transcripts: non-coding transcript variant (2), intron variant (3).
Genome position (GRCh38, 1-based): chr2:214,781,447, T>C on the plus strand (A>G on the coding strand, the complement: BARD1 is on the minus strand). VCF-style: chr2-214781447-T-C. GRCh37 (hg19) VCF-style: chr2-215646171-T-C.
Other names: c.370A>G, p.Ile124Val (NM_001282543.2); c.158+27965A>G (NM_001282548.2); c.215+15614A>G (NM_001282545.2); c.364+10850A>G (NM_001282549.2); short protein forms I143V, I124V.
Identifiers: ClinVar variation 406750 (VCV000406750.34), dbSNP rs1060501289, ClinGen allele CA16610596.